The following is an entry in ClinVar:

ClinVar aggregate classification (germline): Pathogenic/Likely pathogenic. Review status: criteria provided, multiple submitters, no conflicts (2 of 4 stars). 3 submissions from 3 submitters: Pathogenic (1); Likely pathogenic (2). Last evaluated 2021-02-19.

Conditions:
Hypertrophic cardiomyopathy 9. Also called: Familial hypertrophic cardiomyopathy 9. Identifiers: MedGen C1861065, MONDO:0013412, OMIM 613765.
Tibial muscular dystrophy (TMD). Also called: UDD MYOPATHY; Tibial muscular dystrophy, tardive; Udd Distal Myopathy – Tibial Muscular Dystrophy. Identifiers: Orphanet 609, MedGen C1838244, MONDO:0010870, OMIM 600334.
Autosomal recessive limb-girdle muscular dystrophy type 2J (LGMDR10). Also called: Limb-girdle muscular dystrophy, type 2J; MUSCULAR DYSTROPHY, LIMB-GIRDLE, AUTOSOMAL RECESSIVE 10. Identifiers: Orphanet 140922, MedGen C1837342, MONDO:0012127, OMIM 608807.
Myopathy, myofibrillar, 9, with early respiratory failure (MFM9). Also called: Hereditary myopathy with early respiratory failure; EDSTROM MYOPATHY; MYOPATHY, PROXIMAL, WITH EARLY RESPIRATORY MUSCLE INVOLVEMENT; Myopathy, distal, with early respiratory failure, autosomal dominant. Identifiers: Orphanet 178464, Orphanet 34521, MedGen C1863599, MONDO:0011362, OMIM 603689.
Dilated cardiomyopathy 1G (CMD1G). Identifiers: Orphanet 154, MedGen C1858763, MONDO:0011400, OMIM 604145.
Early-onset myopathy with fatal cardiomyopathy (CMYO5). Also called: Salih Myopathy; CONGENITAL MYOPATHY 5 WITH CARDIOMYOPATHY. Identifiers: Orphanet 289377, MedGen C2673677, MONDO:0012714, OMIM 611705. Disease mechanism: loss of function.
Cardiovascular phenotype. Identifiers: MedGen CN230736.

Submissions (3):

Labcorp Genetics (formerly Invitae), Labcorp
Classification: Likely pathogenic for Dilated cardiomyopathy 1G; Autosomal recessive limb-girdle muscular dystrophy type 2J. Last evaluated: 2021-02-19. Review status: criteria provided, single submitter. Criteria: Invitae Variant Classification Sherloc (09022015). Collection method: clinical testing. Allele origin: germline.
Comment: This sequence change creates a premature translational stop signal (p.Gln26794*) in the TTN gene. While this is not anticipated to result in nonsense mediated decay, it is expected to create a truncated TTN protein. This variant is not present in population databases (ExAC no frequency). This variant has not been reported in the literature in individuals with TTN-related conditions. This variant is located in the A band of TTN (PMID: 25589632). Truncating variants in this region are significantly overrepresented in patients affected with dilated cardiomyopathy (PMID: 25589632). Truncating variants in this region have also been reported in individuals affected with autosomal recessive centronuclear myopathy (PMID: 23975875). In summary, the currently available evidence indicates that the variant is pathogenic, but additional data are needed to prove that conclusively. Therefore, this variant has been classified as Likely Pathogenic.

Ambry Genetics
Classification: Likely pathogenic for Cardiovascular phenotype. Last evaluated: 2019-12-19. Review status: criteria provided, single submitter. Criteria: Ambry Variant Classification Scheme 2023. Collection method: clinical testing. Allele origin: germline.
Comment: The p.Q17729* variant (also known as c.53185C>T), located in coding exon 153 of the TTN gene, results from a C to T substitution at nucleotide position 53185. This exon is located in the A-band region of the N2-B isoform of the titin protein and is constitutively expressed in TTN transcripts (percent spliced in or PSI 100%). This alteration is expected to result in loss of function by premature protein truncation or nonsense-mediated mRNA decay. While truncating variants in TTN are present in 1-3% of the general population, truncating variants in the A-band are the most common cause of dilated cardiomyopathy (DCM) (Herman DS et al. N. Engl. J. Med., 2012 Feb;366:619-28; Roberts AM et al. Sci Transl Med, 2015 Jan;7:270ra6). TTN truncating variants encoded in constitutive exons (PSI >90%) have been found to be significantly associated with DCM regardless of their position in titin (Schafer S et al. Nat. Genet., 2017 01;49:46-53). As such, this alteration is classified as likely pathogenic.

Center for Genomics, Ann and Robert H. Lurie Children's Hospital of Chicago
Classification: Pathogenic for Autosomal recessive limb-girdle muscular dystrophy type 2J; Hypertrophic cardiomyopathy 9; Tibial muscular dystrophy; Early-onset myopathy with fatal cardiomyopathy; Dilated cardiomyopathy 1G; Myopathy, myofibrillar, 9, with early respiratory failure. Review status: criteria provided, single submitter. Criteria: ACMG Guidelines, 2015. Collection method: clinical testing. Allele origin: germline.
Comment: TTN NM_133378.4 exon 327 p.Gln24226* (c.72676C>T): This variant has not been reported in the literature and is not present in large control databases. Evolutionary conservation and computational predictive tools for this variant are limited or unavailable. This variant creates a premature stop at this codon which results in an absent or abnormal protein. Loss of function (LOF) variants are a known mechanism of disease for this gene. Additionally, this variant is located within the A-band, where the majority of truncating pathogenic variants associated with DCM have been reported (Herman 2012 PMID:22335739). In summary, this variant is classified as pathogenic based on the data above.

Literature cited by the submitters: PubMed 25589632 (cited by Labcorp Genetics (formerly Invitae), Labcorp); PubMed 23975875 (cited by Labcorp Genetics (formerly Invitae), Labcorp).

NM_001267550.2(TTN):c.80380C>T (p.Gln26794Ter)

Genes: TTN (titin; minus strand), TTN-AS1 (TTN antisense RNA 1; plus strand). Cytogenetic location: 2q31.2.
Variant type: single nucleotide variant.
Coding change: c.80380C>T on transcript NM_001267550.2 (MANE Select); coding-DNA position 80380, C replaced by T.
Protein change: p.Gln26794Ter; replaces glutamine 26794 with a stop codon.
Molecular consequence: nonsense.
Genome position (GRCh38, 1-based): chr2:178,565,752, G>A on the plus strand (C>T on the coding strand, the complement: TTN is on the minus strand). VCF-style: chr2-178565752-G-A. GRCh37 (hg19) VCF-style: chr2-179430479-G-A.
Other names: c.75457C>T, p.Gln25153Ter (NM_001256850.1); c.53185C>T, p.Gln17729Ter (NM_003319.4); c.72676C>T, p.Gln24226Ter (NM_133378.4); c.53560C>T, p.Gln17854Ter (NM_133432.3); c.53761C>T, p.Gln17921Ter (NM_133437.4); short protein forms Q26794*, Q17921*, Q24226*, Q17854*, Q17729*, Q25153*.
Identifiers: ClinVar variation 1508786 (VCV001508786.11), dbSNP rs2154165062, ClinGen allele CA349589096.
Genomic context (GRCh38, chr2:178,565,752, plus strand): 5'-CCAGGACTCTGCTACCGCCATCATGTTCAGGTTTCTCCCACATAAGTGATGCACTGGTCT[G>A]GGACACATCAGTGAGTGTAACCTTTCCTGGTGGGGAAGGAGGTTCAGCAGCTTTCACGGC-3'